The following is an entry in ClinVar:

NM_032119.4(ADGRV1):c.5158A>G (p.Met1720Val)

Gene: ADGRV1 (adhesion G protein-coupled receptor V1; plus strand). Cytogenetic location: 5q14.3.
Variant type: single nucleotide variant.
Coding change: c.5158A>G on transcript NM_032119.4 (MANE Select); coding-DNA position 5158, A replaced by G.
Protein change: p.Met1720Val; replaces methionine 1720 with valine.
Molecular consequence: missense variant. On other transcripts: non-coding transcript variant (1).
Genome position (GRCh38, 1-based): chr5:90,675,290, A>G. VCF-style: chr5-90675290-A-G. GRCh37 (hg19) VCF-style: chr5-89971107-A-G.
Other names: short protein forms M1720V.
Identifiers: ClinVar variation 1058580 (VCV001058580.6), dbSNP rs1773061150, ClinGen allele CA360409649.

ClinVar aggregate classification (germline): Uncertain significance (1 of 4 stars; one submission).

Allele frequency attached by ClinVar (database versions not stated): gnomAD exomes below 0.00001.

Submission:

Labcorp Genetics (formerly Invitae), Labcorp
Classification: Uncertain significance. Last evaluated: 2022-06-27. Review status: criteria provided, single submitter. Criteria: Invitae Variant Classification Sherloc (09022015). Collection method: clinical testing. Allele origin: germline.
Comment: This sequence change replaces methionine, which is neutral and non-polar, with valine, which is neutral and non-polar, at codon 1720 of the ADGRV1 protein (p.Met1720Val). This variant is not present in population databases (gnomAD no frequency). This variant has not been reported in the literature in individuals affected with ADGRV1-related conditions. ClinVar contains an entry for this variant (Variation ID: 1058580). Algorithms developed to predict the effect of missense changes on protein structure and function output the following: SIFT: "Deleterious"; PolyPhen-2: "Benign"; Align-GVGD: "Class C0". The valine amino acid residue is found in multiple mammalian species, which suggests that this missense change does not adversely affect protein function. In summary, the available evidence is currently insufficient to determine the role of this variant in disease. Therefore, it has been classified as a Variant of Uncertain Significance.